The following is an entry in ClinVar:

ClinVar aggregate classification (germline): Conflicting classifications of pathogenicity. Review status: criteria provided, conflicting classifications (1 of 4 stars). 2 submissions from 2 submitters: Uncertain significance (1); Likely benign (1). Last evaluated 2025-10-01.

Conditions:
Supravalvar aortic stenosis (SVAS). Also called: Supravalvar aortic stenosis, Eisenberg type. Identifiers: Orphanet 3193, MedGen C0003499, MONDO:0008504, OMIM 185500, HP:0004381.

Allele frequency attached by ClinVar (database versions not stated): TOPMed below 0.00001; gnomAD 0.00001; gnomAD exomes 0.00001; ExAC 0.00002.

Submissions (2):

Labcorp Genetics (formerly Invitae), Labcorp
Classification: Uncertain significance for Supravalvar aortic stenosis. Last evaluated: 2025-10-01. Review status: criteria provided, single submitter. Criteria: Invitae Variant Classification Sherloc (09022015). Collection method: clinical testing. Allele origin: germline.
Comment: This sequence change replaces valine, which is neutral and non-polar, with isoleucine, which is neutral and non-polar, at codon 346 of the ELN protein (p.Val346Ile). This variant is present in population databases (rs782745619, gnomAD 0.002%). This variant has not been reported in the literature in individuals affected with ELN-related conditions. ClinVar contains an entry for this variant (Variation ID: 2917357). Invitae Evidence Modeling of protein sequence and biophysical properties (such as structural, functional, and spatial information, amino acid conservation, physicochemical variation, residue mobility, and thermodynamic stability) indicates that this missense variant is not expected to disrupt ELN protein function with a negative predictive value of 80%. In summary, the available evidence is currently insufficient to determine the role of this variant in disease. Therefore, it has been classified as a Variant of Uncertain Significance.

CeGaT Center for Human Genetics Tuebingen
Classification: Likely benign. Last evaluated: 2025-03-01. Review status: criteria provided, single submitter. Criteria: CeGaT Center For Human Genetics Tuebingen Variant Classification Criteria Version 2. Collection method: clinical testing. Allele origin: germline. Affected: yes. Observed: 1 variant allele.
Comment: ELN: BP4

NM_000501.4(ELN):c.1036G>A (p.Val346Ile)

Gene: ELN (elastin; plus strand). Cytogenetic location: 7q11.23.
Variant type: single nucleotide variant.
Coding change: c.1036G>A on transcript NM_000501.4 (MANE Select); coding-DNA position 1036, G replaced by A.
Protein change: p.Val346Ile; replaces valine 346 with isoleucine.
Molecular consequence: missense variant.
Genome position (GRCh38, 1-based): chr7:74,053,249, G>A. VCF-style: chr7-74053249-G-A. GRCh37 (hg19) VCF-style: chr7-73467579-G-A.
Other names: c.1006G>A, p.Val336Ile (NM_001081752.3, NM_001278917.2); c.1051G>A, p.Val351Ile (NM_001081753.3, NM_001081754.3); c.1036G>A, p.Val346Ile (NM_001081755.3, NM_001278912.2, NM_001278915.2 and 1 more transcripts); c.928G>A, p.Val310Ile (NM_001278913.2); c.1021G>A, p.Val341Ile (NM_001278914.2); c.994G>A, p.Val332Ile (NM_001278916.2); c.904G>A, p.Val302Ile (NM_001278918.2); short protein forms V302I, V351I, V336I, V346I, V310I, V332I, V341I.
Identifiers: ClinVar variation 2917357 (VCV002917357.10), dbSNP rs782745619, ClinGen allele CA4292807.